The following is an entry in ClinVar:

ClinVar aggregate classification (germline): Likely pathogenic. Review status: criteria provided, multiple submitters, no conflicts (2 of 4 stars). 2 submissions from 2 submitters: Likely pathogenic (2). Last evaluated 2026-04-07.

Conditions:
Osteogenesis imperfecta type I (OI1). Also called: Classic Non-deforming Osteogenesis Imperfecta with Blue Sclerae; OI, TYPE I; OSTEOGENESIS IMPERFECTA TARDA; OSTEOGENESIS IMPERFECTA WITH BLUE SCLERAE; Osteogenesis imperfecta type 1; Lobstein's Disease. Identifiers: Orphanet 216796, Orphanet 666, MedGen C0023931, MONDO:0008146, OMIM 166200. Disease mechanism: loss of function.

Submissions (2):

Clinical Genetics and Genomics, Karolinska University Hospital
Classification: Likely pathogenic for Osteogenesis imperfecta type I. Last evaluated: 2026-04-07. Review status: criteria provided, single submitter. Criteria: ACMG Guidelines, 2015. Collection method: clinical testing. Allele origin: de novo. Affected: yes.
Comment: This variant is not present in population databases (gnomAD no frequency).

Division of Genomic Medicine, Department of Advanced Medicine, Medical Research Institute, Kanazawa Medical University
Classification: Likely pathogenic for Osteogenesis imperfecta type I. Last evaluated: 2023-10-20. Review status: criteria provided, single submitter. Criteria: ACMG Guidelines, 2015. Collection method: clinical testing. Allele origin: germline. Affected: yes. Observed: 1 variant allele.
Comment: This missense variant p.His1323Tyr is reported as pathogenic by Ries-Levai et. al. (Hum Mutat. 2004 Apr;23(4):399-400), and analysis of collagen proteins derived from patient's cultured skin fibroblasts showed a decrease in the amount of type I procollagen (PS1), multiple lines of computational evidence support a deleterious effect (PP3), and the patient’s phenotype is highly specific for a disease (PP4). This variant is judged to be likely pathogenic according to ACMG Guidelines, 2015.

Literature cited by the submitters: PubMed 15024745 (cited by Division of Genomic Medicine, Department of Advanced Medicine, Medical Research Institute, Kanazawa Medical University).

NM_000088.4(COL1A1):c.3967C>T (p.His1323Tyr)

Gene: COL1A1 (collagen type I alpha 1 chain; minus strand). Cytogenetic location: 17q21.33.
Variant type: single nucleotide variant.
Coding change: c.3967C>T on transcript NM_000088.4 (MANE Select); coding-DNA position 3967, C replaced by T.
Protein change: p.His1323Tyr; replaces histidine 1323 with tyrosine.
Molecular consequence: missense variant.
Genome position (GRCh38, 1-based): chr17:50,186,355, G>A on the plus strand (C>T on the coding strand, the complement: COL1A1 is on the minus strand). VCF-style: chr17-50186355-G-A. GRCh37 (hg19) VCF-style: chr17-48263716-G-A.
Other names: short protein forms H1323Y.
Identifiers: ClinVar variation 2626750 (VCV002626750.2), dbSNP rs72656344, ClinGen allele CA291542848.